The following is an entry in ClinVar:

ClinVar aggregate classification (germline): Uncertain significance (1 of 4 stars; one submission).

Allele frequency attached by ClinVar (database versions not stated): gnomAD exomes below 0.00001; ExAC 0.00001; gnomAD 0.00001; TOPMed 0.00003; ESP Exome Variant Server 0.00008.

Submission:

GeneDx
Classification: Uncertain significance. Last evaluated: 2022-10-13. Review status: criteria provided, single submitter. Criteria: GeneDx Variant Classification Process June 2021. Collection method: clinical testing. Allele origin: germline. Affected: yes.
Comment: Not observed at significant frequency in large population cohorts (gnomAD); In silico analysis supports that this missense variant has a deleterious effect on protein structure/function; Has not been previously published as pathogenic or benign to our knowledge

NM_007103.4(NDUFV1):c.1297T>G (p.Trp433Gly)

Genes: NDUFV1 (NADH:ubiquinone oxidoreductase core subunit V1; plus strand), LOC126861242 (CDK7 strongly-dependent group 2 enhancer GRCh37_chr11:67379204-67380403; plus strand). Cytogenetic location: 11q13.2.
Variant type: single nucleotide variant.
Coding change: c.1297T>G on transcript NM_007103.4 (MANE Select); coding-DNA position 1297, T replaced by G.
Protein change: p.Trp433Gly; replaces tryptophan 433 with glycine.
Molecular consequence: missense variant.
Genome position (GRCh38, 1-based): chr11:67,612,254, T>G. VCF-style: chr11-67612254-T-G. GRCh37 (hg19) VCF-style: chr11-67379725-T-G.
Other names: c.1270T>G, p.Trp424Gly (NM_001166102.2); short protein forms W424G, W433G.
Identifiers: ClinVar variation 2499362 (VCV002499362.1), dbSNP rs376522700, ClinGen allele CA6143473.